The following is an entry in ClinVar:

ClinVar aggregate classification (germline): Pathogenic/Likely pathogenic. Review status: criteria provided, multiple submitters, no conflicts (2 of 4 stars). 2 submissions from 2 submitters: Pathogenic (1); Likely pathogenic (1). Last evaluated 2024-07-30.

Conditions:
Diamond-Blackfan anemia. Also called: Blackfan Diamond syndrome; Aregenerative anemia chronic congenital; Red cell aplasia, pure hereditary; Congenital hypoplastic anemia; Aase syndrome. Identifiers: Orphanet 124, MedGen C1260899, MeSH D029503, MONDO:0015253, HP:0004810.
RPS19-related disorder. Also called: RPS19-related condition.

Submissions (2):

Labcorp Genetics (formerly Invitae), Labcorp
Classification: Pathogenic for Diamond-Blackfan anemia. Last evaluated: 2024-07-30. Review status: criteria provided, single submitter. Criteria: Invitae Variant Classification Sherloc (09022015). Collection method: clinical testing. Allele origin: germline.
Comment: This sequence change creates a premature translational stop signal (p.Gln105*) in the RPS19 gene. It is expected to result in an absent or disrupted protein product. Loss-of-function variants in RPS19 are known to be pathogenic (PMID: 20960466). This variant is not present in population databases (gnomAD no frequency). This variant has not been reported in the literature in individuals affected with RPS19-related conditions. For these reasons, this variant has been classified as Pathogenic.

Blueprint Genetics
Classification: Likely pathogenic for RPS19-related disorders. Last evaluated: 2023-04-05. Review status: criteria provided, single submitter. Criteria: ACMG Guidelines, 2015. Collection method: clinical testing. Allele origin: germline. Affected: yes. Observed: 1 variant allele.

Literature cited by the submitters: PubMed 20960466 (cited by Labcorp Genetics (formerly Invitae), Labcorp).

NM_001022.4(RPS19):c.313C>T (p.Gln105Ter)

Genes: RPS19 (ribosomal protein S19; plus strand), RPS19-CD79A (RPS19-CD79A readthrough; plus strand). Cytogenetic location: 19q13.2.
Variant type: single nucleotide variant.
Coding change: c.313C>T on transcript NM_001022.4 (MANE Select); coding-DNA position 313, C replaced by T.
Protein change: p.Gln105Ter; replaces glutamine 105 with a stop codon.
Molecular consequence: nonsense. On other transcripts: missense variant (1).
Genome position (GRCh38, 1-based): chr19:41,869,171, C>T. VCF-style: chr19-41869171-C-T. GRCh37 (hg19) VCF-style: chr19-42373241-C-T.
Other names: c.313C>T, p.Gln105Ter (NM_001321483.2, NM_001321484.2); c.326C>T, p.Pro109Leu (NM_001321485.2); short protein forms Q105*, P109L.
Identifiers: ClinVar variation 3660144 (VCV003660144.3).
Genomic context (GRCh38, chr19:41,869,171, plus strand): 5'-AACGGCGTCATGCCCAGCCACTTCAGCCGAGGCTCCAAGAGTGTGGCCCGCCGGGTCCTC[C>T]AAGCCCTGGAGGGGCTGAAAATGGTGGAAAAGGACCAAGATGGGTAAGCAGGGTAGAGGG-3'